The following is an entry in ClinVar:

ClinVar aggregate classification (germline): Uncertain significance (1 of 4 stars; one submission).

Submission:

Ambry Genetics
Classification: Uncertain significance. Last evaluated: 2022-05-30. Review status: criteria provided, single submitter. Criteria: Ambry Variant Classification Scheme 2023. Collection method: clinical testing. Allele origin: germline.
Comment: The p.L899F variant (also known as c.2695C>T), located in coding exon 1 of the MLH3 gene, results from a C to T substitution at nucleotide position 2695. The leucine at codon 899 is replaced by phenylalanine, an amino acid with highly similar properties. This amino acid position is conserved. In addition, this alteration is predicted to be tolerated by in silico analysis. Since supporting evidence is limited at this time, the clinical significance of this alteration remains unclear.

NM_001040108.2(MLH3):c.2695C>T (p.Leu899Phe)

Gene: MLH3 (mutL homolog 3; minus strand). Cytogenetic location: 14q24.3.
Variant type: single nucleotide variant.
Coding change: c.2695C>T on transcript NM_001040108.2 (MANE Select); coding-DNA position 2695, C replaced by T.
Protein change: p.Leu899Phe; replaces leucine 899 with phenylalanine.
Molecular consequence: missense variant.
Genome position (GRCh38, 1-based): chr14:75,046,961, G>A on the plus strand (C>T on the coding strand, the complement: MLH3 is on the minus strand). VCF-style: chr14-75046961-G-A. GRCh37 (hg19) VCF-style: chr14-75513664-G-A.
Other names: c.2695C>T, p.Leu899Phe (NM_014381.3); short protein forms L899F.
Identifiers: ClinVar variation 1794844 (VCV001794844.2), dbSNP rs2139557483, ClinGen allele CA390438998.